The following is an entry in ClinVar:

NM_000053.4(ATP7B):c.1440del (p.Gln480fs)

Gene: ATP7B (ATPase copper transporting beta; minus strand). Cytogenetic location: 13q14.3.
Variant type: Deletion.
Coding change: c.1440del on transcript NM_000053.4 (MANE Select); coding-DNA position 1440, one base deleted (A; older notation c.1440delA).
Protein change: p.Gln480fs; shifts the reading frame from glutamine 480.
Molecular consequence: frameshift variant. On other transcripts: intron variant (1).
Genome position (GRCh38, 1-based): chr13:51,970,595, T deleted on the plus strand (A on the coding strand, the reverse complement: ATP7B is on the minus strand); the first of 2 consecutive T bases (chr13:51,970,595-51,970,596); deleting either gives the same sequence. VCF-style (leftmost placement, unchanged base first): chr13-51970594-AT-A. GRCh37 (hg19) VCF-style: chr13-52544730-AT-A.
Other names: c.1440del, p.Gln480fs (NM_001406546.1, NM_001406547.1, NM_001005918.3 and 28 more transcripts); c.1285+3340del (NM_001406548.1); c.1107del, p.Gln369fs (NM_001243182.2); c.1344del, p.Gln448fs (NM_001406517.1, NM_001406518.1, NM_001406530.1 and 3 more transcripts); c.1011del, p.Gln337fs (NM_001406539.1); short protein forms Q337fs, Q369fs, Q448fs, Q480fs.
Identifiers: ClinVar variation 4814979 (VCV004814979.1).

ClinVar aggregate classification (germline): Likely pathogenic (1 of 4 stars; one submission).

Conditions:
Wilson disease (WND). Also called: Wilson's disease. Identifiers: Orphanet 905, MedGen C0019202, MONDO:0010200, OMIM 277900. Disease mechanism: loss of function.

Submission:

Natera, Inc.
Classification: Likely pathogenic for Wilson disease. Last evaluated: 2025-11-12. Review status: criteria provided, single submitter. Criteria: Natera Variant Classification Schema (03/2026). Collection method: clinical testing. Allele origin: germline.
Comment: The c.1440del variant in ATP7B is a frameshift variant predicted to shift the reading frame beginning at codon 480 and leads to a stop codon 18 codons downstream. This variant is expected to result in nonsense mediated decay, truncation, or a dysfunctional protein product. This variant is rare in the general population with a frequency below the threshold expected for the associated phenotype(s). Given the available evidence, this variant is classified as Likely Pathogenic.